The following is an entry in ClinVar:

ClinVar aggregate classification (germline): Conflicting classifications of pathogenicity. Review status: criteria provided, conflicting classifications (1 of 4 stars). 3 submissions from 3 submitters: Likely pathogenic (1); Uncertain significance (1). 1 of the submissions does not count toward it. Last evaluated 2025-09-10.

Conditions:
Trimethylaminuria (TMAU). Also called: FISH-ODOR SYNDROME; Primary Trimethylaminuria; Fish malodor syndrome; Stale fish syndrome; TMAuria. Identifiers: MedGen C0342739, MONDO:0011182, OMIM 602079, HP:0003614. Disease mechanism: loss of function.

Allele frequency attached by ClinVar (database versions not stated): ExAC 0.00001; gnomAD 0.00001; gnomAD exomes 0.00001; TOPMed 0.00001.
gnomAD v4.1: 29 of 1,613,742 alleles (0.0018%); highest among the groups gnomAD compares: Non-Finnish European, 0.0019%; no homozygotes.

Submissions (3):

Myriad Genetics, Inc.
Classification: Uncertain significance for Trimethylaminuria. Last evaluated: 2025-09-10. Review status: criteria provided, single submitter. Criteria: Myriad Autosomal Dominant, Autosomal Recessive and X-Linked Classification Criteria (2023). Collection method: clinical testing. Allele origin: unknown.
Comment: NM_001002294.2(FMO3):c.198G>T(M66I) is a missense variant classified as a variant of uncertain significance in the context of primary trimethylaminuria. M66I has been observed in a case with relevant disease (PMID: 10338091). Relevant mammalian functional assessments of this variant are not available in the literature. M66I has been observed in referenced population frequency databases. In summary, there is insufficient evidence to classify NM_001002294.2(FMO3):c.198G>T(M66I) as pathogenic or benign. Please note: this variant was assessed in the context of healthy population screening.

Women's Health and Genetics/Laboratory Corporation of America, LabCorp
Classification: Likely pathogenic for Trimethylaminuria. Last evaluated: 2023-09-08. Review status: criteria provided, single submitter. Criteria: LabCorp Variant Classification Summary - May 2015. Collection method: clinical testing. Allele origin: germline.
Comment: Variant summary: FMO3 c.198G>T (p.Met66Ile) results in a conservative amino acid change in the encoded protein sequence. Three of five in-silico tools predict a benign effect of the variant on protein function. The variant allele was found at a frequency of 8e-06 in 251244 control chromosomes. c.198G>T has been reported at a compound heterozygous state along with an apparently pathogenic missense change of FMO3 in at-least one individual affected with Trimethylaminuria (example, Akerman_1999, Cashman_1998). These data indicate that the variant may be associated with disease. At least two publications report experimental evidence evaluating an impact on protein function. The most pronounced variant effect results in demolished kinetic parameters of FMO3 substrate oxidation, likely due to loss of incorporating/retaining the FAD cofactor (Treacy_1998, Yeung_2007). Additionally, one variant at the Met66 residue has been reported as likely associated with disease (p.Met66Val), suggesting that this codon might be functionally important (PMID: 33831674). The following publications have been ascertained in the context of this evaluation (PMID: 10479479, 9536088, 17531949). No submitters have cited clinical-significance assessments for this variant to ClinVar after 2014. Based on the evidence outlined above, the variant was classified as likely pathogenic.

OMIM
Classification: Pathogenic for TRIMETHYLAMINURIA. Last evaluated: 1999-01-01. Review status: no assertion criteria provided. Collection method: literature only. Allele origin: germline. Not counted in ClinVar's aggregate classification.

Literature cited by the submitters: PubMed 10338091 (cited by Myriad Genetics, Inc. and OMIM); PubMed 17531949 (cited by Women's Health and Genetics/Laboratory Corporation of America, LabCorp); PubMed 10479479 (cited by Women's Health and Genetics/Laboratory Corporation of America, LabCorp); PubMed 9536088 (cited by Women's Health and Genetics/Laboratory Corporation of America, LabCorp); Akerman, B. R., Chow, L., Forrest, S., Youil, R., Cashman, J., Treacy, E. P. Mutations in the flavin-containing monoxygenase (sic) form 3 (FMO3) gene cause trimethylaminuria, fish odour syndrome. (Abstract) Am. J. Hum. Genet. 61 (suppl.): A53-only, 1997. (cited by OMIM).

NM_001002294.3(FMO3):c.198G>T (p.Met66Ile)

Gene: FMO3 (flavin containing dimethylaniline monoxygenase 3; plus strand). Cytogenetic location: 1q24.3.
Variant type: single nucleotide variant.
Coding change: c.198G>T on transcript NM_001002294.3 (MANE Select); coding-DNA position 198, G replaced by T.
Protein change: p.Met66Ile; replaces methionine 66 with isoleucine.
Molecular consequence: missense variant. On other transcripts: intron variant (1).
Genome position (GRCh38, 1-based): chr1:171,103,850, G>T. VCF-style: chr1-171103850-G-T. GRCh37 (hg19) VCF-style: chr1-171072991-G-T.
Other names: c.138G>T, p.Met46Ile (NM_001319173.2); c.198G>T, p.Met66Ile (NM_006894.6); c.133-3825G>T (NM_001319174.2); short protein forms M66I, M46I.
Identifiers: ClinVar variation 16306 (VCV000016306.3), dbSNP rs72549323, ClinGen allele CA257482.
Genomic context (GRCh38, chr1:171,103,850, plus strand): 5'-TGCAGAGGAGGGCAGGGCTAGCATTTACAAATCAGTCTTTTCCAACTCTTCCAAAGAGAT[G>T]ATGTGTTTCCCAGACTTCCCATTTCCCGATGACTTCCCCAACTTTATGCACAACAGCAAG-3'
Protein context (NP_001002294.1, residues 56-76): KSVFSNSSKE[Met66Ile]MCFPDFPFPD